The following is an entry in ClinVar:

NM_000059.4(BRCA2):c.3637G>T (p.Glu1213Ter)

Gene: BRCA2 (BRCA2 DNA repair associated; plus strand). Cytogenetic location: 13q13.1.
Variant type: single nucleotide variant.
Coding change: c.3637G>T on transcript NM_000059.4 (MANE Select); coding-DNA position 3637, G replaced by T.
Protein change: p.Glu1213Ter; replaces glutamic acid 1213 with a stop codon.
Molecular consequence: nonsense.
Genome position (GRCh38, 1-based): chr13:32,337,992, G>T. VCF-style: chr13-32337992-G-T. GRCh37 (hg19) VCF-style: chr13-32912129-G-T.
Other names: short protein forms E1213*.
Identifiers: ClinVar variation 570931 (VCV000570931.12), dbSNP rs1566228876, ClinGen allele CA387777926.
Genomic context (GRCh38, chr13:32,337,992, plus strand): 5'-GCTGGCCTGTTGAAAAATGACTGTAACAAAAGTGCTTCTGGTTATTTAACAGATGAAAAT[G>T]AAGTGGGGTTTAGGGGCTTTTATTCTGCTCATGGCACAAAACTGAATGTTTCTACTGAAG-3'

ClinVar aggregate classification (germline): Pathogenic. Review status: criteria provided, multiple submitters, no conflicts (2 of 4 stars). 2 submissions from 2 submitters: Pathogenic (2). Last evaluated 2025-07-31.

Conditions:
Hereditary breast ovarian cancer syndrome. Also called: Hereditary breast and ovarian cancer syndrome; Breast and ovarian cancer; Hereditary breast and ovarian cancer; Hereditary breast and/or ovarian cancer syndrome; Hereditary breast and ovarian cancer syndrome (HBOC); BRCA1- and BRCA2-Associated Hereditary Breast and Ovarian Cancer. Identifiers: Orphanet 145, MedGen C0677776, MeSH D061325, MONDO:0003582. Disease mechanism: loss of function.

Submissions (2):

Labcorp Genetics (formerly Invitae), Labcorp
Classification: Pathogenic for Hereditary breast ovarian cancer syndrome. Last evaluated: 2025-07-31. Review status: criteria provided, single submitter. Criteria: Invitae Variant Classification Sherloc (09022015). Collection method: clinical testing. Allele origin: germline.
Comment: This sequence change creates a premature translational stop signal (p.Glu1213*) in the BRCA2 gene. It is expected to result in an absent or disrupted protein product. Loss-of-function variants in BRCA2 are known to be pathogenic (PMID: 20104584). This variant is not present in population databases (gnomAD no frequency). This premature translational stop signal has been observed in individual(s) with breast and ureter cancer (PMID: 28961279). ClinVar contains an entry for this variant (Variation ID: 570931). For these reasons, this variant has been classified as Pathogenic.

Quest Diagnostics Nichols Institute San Juan Capistrano
Classification: Pathogenic. Last evaluated: 2019-11-12. Review status: criteria provided, single submitter. Criteria: Quest Diagnostics criteria. Collection method: clinical testing. Allele origin: unknown.
Comment: The variant creates a premature nonsense codon, and is therefore predicted to result in the loss of a functional protein. Found in at least one patient with expected phenotype for this gene, and not found in general population data.

Literature cited by the submitters: PubMed 20104584 (cited by Labcorp Genetics (formerly Invitae), Labcorp); PubMed 28961279 (cited by Labcorp Genetics (formerly Invitae), Labcorp and Quest Diagnostics Nichols Institute San Juan Capistrano).